The following is an entry in ClinVar:

ClinVar aggregate classification (germline): Likely pathogenic (1 of 4 stars; one submission).

Conditions:
Focal dermal hypoplasia (FDH). Also called: Goltz syndrome. Identifiers: Orphanet 2092, MedGen C0016395, MONDO:0010592, OMIM 305600.

Submission:

Department of Human Genetics, University Hospital Bern, Inselspital
Classification: Likely pathogenic for Focal dermal hypoplasia. Last evaluated: 2024-12-17. Review status: criteria provided, single submitter. Criteria: ACMG Guidelines, 2015. Collection method: clinical testing. Allele origin: somatic. Inheritance: X-linked dominant inheritance. Affected: yes. Observed: 1 variant allele.
Comment: The deletion-insertion variant has not been observed in large population cohorts (gnomAD) and to our knowledge has not been previously published. The variant leads to the loss of the initiation codon and presumably to the utilisation of an alternative initiation codon. Other variants affecting the initiation codon have previously been described in patients affected with focal dermal hypoplasia (PMID: 19309688, 21472892).

Literature cited by the submitters: PubMed 20301712.

NM_203475.3(PORCN):c.-6_24delinsCCACC (p.Met1fs)

Gene: PORCN (porcupine O-acyltransferase; plus strand). Cytogenetic location: Xp11.23.
Variant type: Indel.
Coding change: c.-6_24delinsCCACC on transcript NM_203475.3 (MANE Select); 6 bases upstream of the start codon through coding-DNA position 24, TCTGCAATGGCCACCTTTAGCCGCCAGGAA replaced by CCACC.
Protein change: p.Met1fs; shifts the reading frame from methionine 1.
Molecular consequence: frameshift variant, initiator codon variant. On other transcripts: 5 prime UTR variant (1).
Genome position (GRCh38, 1-based): chrX:48,509,815-48,509,844, TCTGCAATGGCCACCTTTAGCCGCCAGGAA replaced by CCACC. GRCh37 (hg19): chrX:48,368,203-48,368,232.
Other names: c.-148_-119delinsCCACC (NM_001282167.2); c.-6_24delinsCCACC, p.Met1fs (NM_022825.4, NM_203473.3, NM_203474.1); short protein forms M1fs.
Identifiers: ClinVar variation 3544364 (VCV003544364.1).
Genomic context (GRCh38, chrX:48,509,815, plus strand): 5'-CCGCTCCCTCTGTGTCCCTGCTTTGACAGATCTATCCATCTGGCCATCCATCCGTGGGGG[TCTGCAATGGCCACCTTTAGCCGCCAGGAA>CCACC]TTTTTCCAGCAGCTACTGCAAGGCTGTCTCCTGCCTACTGCCCAGCAGGGCCTTGACCAG-3'